The following is an entry in ClinVar:

NM_000059.4(BRCA2):c.2721G>A (p.Lys907=)

Gene: BRCA2 (BRCA2 DNA repair associated; plus strand). Cytogenetic location: 13q13.1.
Variant type: single nucleotide variant.
Coding change: c.2721G>A on transcript NM_000059.4 (MANE Select); coding-DNA position 2721, G replaced by A.
Protein change: p.Lys907=; no amino-acid change (lysine 907 retained).
Molecular consequence: synonymous variant. On other transcripts: non-coding transcript variant (1), intron variant (2).
Genome position (GRCh38, 1-based): chr13:32,337,076, G>A. VCF-style: chr13-32337076-G-A. GRCh37 (hg19) VCF-style: chr13-32911213-G-A.
Other names: c.2721G>A, p.Lys907= (NM_001406719.1, NM_001406720.1); c.1909+3689G>A (NM_001406721.1); c.424+6046G>A (NM_001406722.1).
Identifiers: ClinVar variation 3070303 (VCV003070303.3), dbSNP rs2137489215, ClinGen allele CA483437225.

ClinVar aggregate classification (germline): Likely benign. Review status: criteria provided, multiple submitters, no conflicts (2 of 4 stars). 3 submissions from 3 submitters: Likely benign (3). Last evaluated 2025-03-26.

Conditions:
Breast-ovarian cancer, familial, susceptibility to, 2 (BROVCA2). Also called: BRCA2 Hereditary Breast and Ovarian Cancer. Identifiers: Orphanet 145, MedGen C2675520, MONDO:0012933, OMIM 612555. Disease mechanism: loss of function.
Hereditary breast ovarian cancer syndrome. Also called: Hereditary breast and ovarian cancer syndrome; Hereditary breast and ovarian cancer; Hereditary breast and ovarian cancer syndrome (HBOC); Hereditary breast and/or ovarian cancer syndrome; BRCA1- and BRCA2-Associated Hereditary Breast and Ovarian Cancer; Breast and ovarian cancer. Identifiers: Orphanet 145, MedGen C0677776, MeSH D061325, MONDO:0003582. Disease mechanism: loss of function.
Hereditary cancer-predisposing syndrome. Also called: Neoplastic Syndromes, Hereditary; Tumor predisposition; Hereditary neoplastic syndrome; Hereditary Cancer Syndrome. Identifiers: Orphanet 140162, MedGen C0027672, MeSH D009386, MONDO:0015356.

Submissions (3):

Labcorp Genetics (formerly Invitae), Labcorp
Classification: Likely benign for Hereditary breast ovarian cancer syndrome. Last evaluated: 2025-03-26. Review status: criteria provided, single submitter. Criteria: Invitae Variant Classification Sherloc (09022015). Collection method: clinical testing. Allele origin: germline.

Ambry Genetics
Classification: Likely benign for Hereditary cancer-predisposing syndrome. Last evaluated: 2024-05-27. Review status: criteria provided, single submitter. Criteria: Ambry Variant Classification Scheme 2023. Collection method: clinical testing. Allele origin: germline.

All of Us Research Program, National Institutes of Health
Classification: Likely benign for Breast-ovarian cancer, familial, susceptibility to, 2. Last evaluated: 2023-04-03. Review status: criteria provided, single submitter. Criteria: ACMG Guidelines, 2015. Collection method: clinical testing. Allele origin: germline. Inheritance: Autosomal dominant inheritance. Observed: 1 variant allele, 1 heterozygote.
Comment: This study involves interpretation of variants in research participants for the purpose of population health screening. Participant phenotype was not available at the time of variant classification. Additional details can be found in publication PMID: 35346344, PMCID: PMC8962531